The following is an entry in ClinVar:

ClinVar aggregate classification (germline): Likely benign (0 of 4 stars; one submission).

Submission:

Leiden Open Variation Database
Classification: Likely benign. Last evaluated: 2012-08-31. Review status: no assertion criteria provided. Collection method: curation. Allele origin: germline. Affected: yes.
Comment: Curator: Arleen D. Auerbach. Submitter to LOVD: Janine Bakker.

Literature cited by the submitters: PubMed 22911665.

NM_032444.4(SLX4):c.3860T>G (p.Val1287Gly)

Gene: SLX4 (SLX4 structure-specific endonuclease subunit; minus strand). Cytogenetic location: 16p13.3.
Variant type: single nucleotide variant.
Coding change: c.3860T>G on transcript NM_032444.4 (MANE Select); coding-DNA position 3860, T replaced by G.
Protein change: p.Val1287Gly; replaces valine 1287 with glycine.
Molecular consequence: missense variant.
Genome position (GRCh38, 1-based): chr16:3,589,778, A>C on the plus strand (T>G on the coding strand, the complement: SLX4 is on the minus strand). VCF-style: chr16-3589778-A-C. GRCh37 (hg19) VCF-style: chr16-3639779-A-C.
Other names: short protein forms V1287G.
Identifiers: ClinVar variation 929597 (VCV000929597.1), dbSNP rs1596520811, ClinGen allele CA394519085.